The following is an entry in ClinVar:

ClinVar aggregate classification (germline): Likely pathogenic. Review status: criteria provided, single submitter (1 of 4 stars). 3 submissions from 3 submitters: Likely pathogenic (1). 2 of the submissions do not count toward it. Last evaluated 2023-01-24.

Conditions:
Muscle eye brain disease (MEB). Also called: Santavuori congenital muscular dystrophy. Identifiers: Orphanet 588, Orphanet 899, MedGen C0457133, MONDO:0018939.
Muscular dystrophy-dystroglycanopathy. Also called: Congenital muscular dystrophy due to dystroglycanopathy. Identifiers: Orphanet 370953, MedGen C5679911, MONDO:0018276.

Submissions (3):

Broad Center for Mendelian Genomics, Broad Institute of MIT and Harvard
Classification: Likely pathogenic for Muscular dystrophy-dystroglycanopathy. Last evaluated: 2023-01-24. Review status: criteria provided, single submitter. Criteria: ACMG Guidelines, 2015. Collection method: curation. Allele origin: germline. Inheritance: Autosomal recessive inheritance.
Comment: The p.Val328fs variant in POMGNT1 has been previously reported in one individual with muscular dystrophy-dystroglycanopathy (PMID: 12588800), and has been identified in 0.006% (2/34580) of Latino/Admixed American chromosomes by the Genome Aggregation Database (gnomAD; dbSNP ID: rs386834040). Although this variant has been seen in the general population in a heterozygous state, its frequency is low enough to be consistent with a recessive carrier frequency. This variant has also been reported in ClinVar (Variation ID#:56611) and has been interpreted as probable-pathogenic by Juha Muilu Group (Institute for Molecular Medicine Finland (FIMM)) and likely pathogenic by Counsyl. This variant is predicted to cause a frameshift, which alters the protein‚Äôs amino acid sequence beginning at position 328 and leads to a premature termination codon 11 amino acids downstream. This alteration is then predicted to lead to a truncated or absent protein. Loss of function of the POMGNT1 gene is an established disease mechanism in autosomal recessive muscular dystrophy-dystroglycanopathy. In summary, although additional studies are required to fully establish its clinical significance, this variant is likely pathogenic for POMGNT1-associated muscular dystrophy-dystroglycanopathy. ACMG/AMP Criteria applied: PVS1, PM2 (Richards 2015).

Counsyl
Classification: Likely pathogenic for Muscle eye brain disease. Last evaluated: 2014-07-30. Review status: no assertion criteria provided. Collection method: literature only. Allele origin: unknown. Inheritance: Autosomal recessive inheritance. Not counted in ClinVar's aggregate classification.

Juha Muilu Group; Institute for Molecular Medicine Finland (FIMM)
Classification: Likely pathogenic for Muscle eye brain disease. Review status: no assertion criteria provided. Collection method: not provided. Allele origin: unknown. Not counted in ClinVar's aggregate classification.
Comment: FinDis database variant: This variant was not found or characterized by our laboratory, data were collected from public sources: see reference
ClinVar note: Converted during submission from probable-pathogenic to Likely pathogenic.

Literature cited by the submitters: PubMed 12588800 (cited by Counsyl); PubMed 12788071 (cited by Counsyl).

NM_017739.4(POMGNT1):c.982dup (p.Val328fs)

Genes: TSPAN1 (tetraspanin 1; plus strand), POMGNT1 (protein O-linked mannose N-acetylglucosaminyltransferase 1 (beta 1,2-); minus strand). Cytogenetic location: 1p34.1.
Variant type: Duplication.
Coding change: c.982dup on transcript NM_017739.4 (MANE Select); coding-DNA position 982, one base duplicated (G; older notation c.982dupG).
Protein change: p.Val328fs; shifts the reading frame from valine 328.
Molecular consequence: frameshift variant.
Genome position (GRCh38, 1-based): chr1:46,193,608, C duplicated on the plus strand (G on the coding strand, the reverse complement: POMGNT1 is on the minus strand); the first of 5 consecutive C bases (chr1:46,193,608-46,193,612); duplicating any one gives the same sequence. VCF-style (leftmost placement, unchanged base first): chr1-46193607-A-AC. GRCh37 (hg19) VCF-style: chr1-46659279-A-AC.
Other names: NM_017739.4(POMGNT1):c.982dup; p.Val328fs; c.982dupG (NM_017739.3); c.982dup, p.Val328fs (NM_001243766.2, NM_001410783.1); c.912dup, p.Val306Glyfs (NM_001290129.3); c.553dup, p.Val185fs (NM_001290130.2); short protein forms V185fs, V328fs, V306fs.
Identifiers: ClinVar variation 56611 (VCV000056611.5), dbSNP rs386834040, ClinGen allele CA263992.